The following is an entry in ClinVar:

ClinVar aggregate classification (germline): Uncertain significance. Review status: criteria provided, multiple submitters, no conflicts (2 of 4 stars). 2 submissions from 2 submitters: Uncertain significance (2). Last evaluated 2023-02-10.

Conditions:
Gorlin syndrome. Also called: Nevoid Basal Cell Carcinoma Syndrome; Basal cell nevus syndrome. Identifiers: Orphanet 377, MedGen C0004779, MONDO:0007187.
Hereditary cancer-predisposing syndrome. Also called: Hereditary neoplastic syndrome; Neoplastic Syndromes, Hereditary; Hereditary Cancer Syndrome; Tumor predisposition. Identifiers: Orphanet 140162, MedGen C0027672, MeSH D009386, MONDO:0015356.

Submissions (2):

Ambry Genetics
Classification: Uncertain significance for Hereditary cancer-predisposing syndrome. Last evaluated: 2023-02-10. Review status: criteria provided, single submitter. Criteria: Ambry Variant Classification Scheme 2023. Collection method: clinical testing. Allele origin: germline.
Comment: The p.D1411E variant (also known as c.4233C>A), located in coding exon 23 of the PTCH1 gene, results from a C to A substitution at nucleotide position 4233. The aspartic acid at codon 1411 is replaced by glutamic acid, an amino acid with highly similar properties. This amino acid position is conserved. In addition, the in silico prediction for this alteration is inconclusive. Since supporting evidence is limited at this time, the clinical significance of this alteration remains unclear.

Labcorp Genetics (formerly Invitae), Labcorp
Classification: Uncertain significance for Gorlin syndrome. Last evaluated: 2021-10-12. Review status: criteria provided, single submitter. Criteria: Invitae Variant Classification Sherloc (09022015). Collection method: clinical testing. Allele origin: germline.
Comment: This variant is not present in population databases (ExAC no frequency). This sequence change replaces aspartic acid with glutamic acid at codon 1411 of the PTCH1 protein (p.Asp1411Glu). The aspartic acid residue is moderately conserved and there is a small physicochemical difference between aspartic acid and glutamic acid. This variant has not been reported in the literature in individuals affected with PTCH1-related conditions. Advanced modeling of protein sequence and biophysical properties (such as structural, functional, and spatial information, amino acid conservation, physicochemical variation, residue mobility, and thermodynamic stability) performed at Invitae indicates that this missense variant is not expected to disrupt PTCH1 protein function. In summary, the available evidence is currently insufficient to determine the role of this variant in disease. Therefore, it has been classified as a Variant of Uncertain Significance.

NM_000264.5(PTCH1):c.4233C>A (p.Asp1411Glu)

Gene: PTCH1 (patched 1; minus strand). Cytogenetic location: 9q22.32.
Variant type: single nucleotide variant.
Coding change: c.4233C>A on transcript NM_000264.5 (MANE Select); coding-DNA position 4233, C replaced by A.
Protein change: p.Asp1411Glu; replaces aspartic acid 1411 with glutamic acid.
Molecular consequence: missense variant. On other transcripts: non-coding transcript variant (1).
Genome position (GRCh38, 1-based): chr9:95,447,023, G>T on the plus strand (C>A on the coding strand, the complement: PTCH1 is on the minus strand). VCF-style: chr9-95447023-G-T. GRCh37 (hg19) VCF-style: chr9-98209305-G-T.
Other names: c.4233C>A (NM_000264.3); c.3780C>A, p.Asp1260Glu (NM_001083606.3, NM_001083607.3, NM_001083604.3 and 1 more transcripts); c.4077C>A, p.Asp1359Glu (NM_001354918.2); c.4035C>A, p.Asp1345Glu (NM_001083602.3); c.4230C>A, p.Asp1410Glu (NM_001083603.3); short protein forms D1260E, D1410E, D1345E, D1411E, D1359E.
Identifiers: ClinVar variation 1413583 (VCV001413583.7), dbSNP rs2136572617, ClinGen allele CA374110063.